The following is an entry in ClinVar:

ClinVar aggregate classification (germline): Uncertain significance (1 of 4 stars; one submission).

Conditions:
Cornelia de Lange syndrome 4 (CDLS4). Also called: RAD21-Related Cornelia de Lange Syndrome; CORNELIA DE LANGE SYNDROME 4 WITH OR WITHOUT MIDLINE BRAIN DEFECTS. Identifiers: Orphanet 199, MedGen C3553517, MONDO:0013864, OMIM 614701.

Submission:

Labcorp Genetics (formerly Invitae), Labcorp
Classification: Uncertain significance for Cornelia de Lange syndrome 4. Last evaluated: 2024-01-03. Review status: criteria provided, single submitter. Criteria: Invitae Variant Classification Sherloc (09022015). Collection method: clinical testing. Allele origin: germline.
Comment: This sequence change replaces leucine, which is neutral and non-polar, with valine, which is neutral and non-polar, at codon 385 of the RAD21 protein (p.Leu385Val). This variant is not present in population databases (gnomAD no frequency). This variant has not been reported in the literature in individuals affected with RAD21-related conditions. Advanced modeling of protein sequence and biophysical properties (such as structural, functional, and spatial information, amino acid conservation, physicochemical variation, residue mobility, and thermodynamic stability) performed at Invitae indicates that this missense variant is not expected to disrupt RAD21 protein function with a negative predictive value of 80%. In summary, the available evidence is currently insufficient to determine the role of this variant in disease. Therefore, it has been classified as a Variant of Uncertain Significance.

NM_006265.3(RAD21):c.1153C>G (p.Leu385Val)

Gene: RAD21 (RAD21 cohesin complex component; minus strand). Cytogenetic location: 8q24.11.
Variant type: single nucleotide variant.
Coding change: c.1153C>G on transcript NM_006265.3 (MANE Select); coding-DNA position 1153, C replaced by G.
Protein change: p.Leu385Val; replaces leucine 385 with valine.
Molecular consequence: missense variant.
Genome position (GRCh38, 1-based): chr8:116,854,253, G>C on the plus strand (C>G on the coding strand, the complement: RAD21 is on the minus strand). VCF-style: chr8-116854253-G-C. GRCh37 (hg19) VCF-style: chr8-117866492-G-C.
Other names: short protein forms L385V.
Identifiers: ClinVar variation 2707131 (VCV002707131.3), dbSNP rs2537292803, ClinGen allele CA372000490.